The following is an entry in ClinVar:

ClinVar aggregate classification (germline): Likely benign. Review status: criteria provided, multiple submitters, no conflicts (2 of 4 stars). 3 submissions from 3 submitters: Likely benign (3). Last evaluated 2026-01-12.

Conditions:
Inborn genetic diseases. Identifiers: MedGen C0950123, MeSH D030342.
Cutis laxa, X-linked (OHS). Also called: EDS IX; Occipital horn syndrome. Identifiers: Orphanet 198, MedGen C0268353, MONDO:0010572, OMIM 304150.
Menkes kinky-hair syndrome (MNK). Also called: Copper transport disease; Menkes Disease; Classic Menkes Disease. Identifiers: Orphanet 565, MedGen C0022716, MONDO:0010651, OMIM 309400.
X-linked distal spinal muscular atrophy type 3. Also called: SPINAL MUSCULAR ATROPHY, DISTAL, X-LINKED RECESSIVE; ATP7A-Related Distal Motor Neuropathy; NEURONOPATHY, DISTAL HEREDITARY MOTOR, X-LINKED; NEUROPATHY, DISTAL HEREDITARY MOTOR, X-LINKED. Identifiers: Orphanet 139557, MedGen C1845359, MONDO:0010338, OMIM 300489.

Allele frequency attached by ClinVar (database versions not stated): gnomAD 0.00002; TOPMed 0.00003; gnomAD exomes 0.00005 and 0.00008; ExAC 0.00007.
gnomAD v4.1: 87 of 1,209,069 alleles (0.0072%); highest among the groups gnomAD compares: Non-Finnish European, 0.0093%; no homozygotes.

Submissions (3):

Labcorp Genetics (formerly Invitae), Labcorp
Classification: Likely benign for X-linked distal spinal muscular atrophy type 3; Cutis laxa, X-linked; Menkes kinky-hair syndrome. Last evaluated: 2026-01-12. Review status: criteria provided, single submitter. Criteria: Invitae Variant Classification Sherloc (09022015). Collection method: clinical testing. Allele origin: germline.

Mayo Clinic Laboratories, Mayo Clinic
Classification: Likely benign. Last evaluated: 2025-10-07. Review status: criteria provided, single submitter. Criteria: ACMG Guidelines, 2015. Collection method: clinical testing. Allele origin: germline. Observed: 1 variant allele.
Comment: BS2, BP4_moderate

Ambry Genetics
Classification: Likely benign for Inborn genetic diseases. Last evaluated: 2022-10-26. Review status: criteria provided, single submitter. Criteria: Ambry Variant Classification Scheme 2023. Collection method: clinical testing. Allele origin: germline.

NM_000052.7(ATP7A):c.2079C>G (p.Ile693Met)

Gene: ATP7A (ATPase copper transporting alpha; plus strand). Cytogenetic location: Xq21.1.
Variant type: single nucleotide variant.
Coding change: c.2079C>G on transcript NM_000052.7 (MANE Select); coding-DNA position 2079, C replaced by G.
Protein change: p.Ile693Met; replaces isoleucine 693 with methionine.
Molecular consequence: missense variant.
Genome position (GRCh38, 1-based): chrX:78,011,581, C>G. VCF-style: chrX-78011581-C-G. GRCh37 (hg19) VCF-style: chrX-77267078-C-G.
Other names: p.Ile693Met; c.2079C>G (NM_000052.4); c.2079C>G, p.Ile693Met (NM_001282224.2); short protein forms I693M.
Identifiers: ClinVar variation 1110172 (VCV001110172.11), dbSNP rs782269377, ClinGen allele CA10459194.
Genomic context (GRCh38, chrX:78,011,581, plus strand): 5'-TATGGACCACCACTTTGCAACTCTTCACCATAATCAAAACATGAGTAAAGAAGAAATGAT[C>G]AACCTTCATTCTTCTATGTTCCTGGAGCGCCAGATTCTTCCAGGATTGTCTGTTATGAAT-3'
Protein context (NP_000043.4, residues 683-703): HNQNMSKEEM[Ile693Met]NLHSSMFLER